The following is an entry in ClinVar:

ClinVar aggregate classification (germline): Uncertain significance (1 of 4 stars; one submission).

Submission:

Labcorp Genetics (formerly Invitae), Labcorp
Classification: Uncertain significance. Last evaluated: 2023-12-16. Review status: criteria provided, single submitter. Criteria: Invitae Variant Classification Sherloc (09022015). Collection method: clinical testing. Allele origin: germline.
Comment: This sequence change replaces glutamine, which is neutral and polar, with arginine, which is basic and polar, at codon 1814 of the MYH3 protein (p.Gln1814Arg). This variant is not present in population databases (gnomAD no frequency). This variant has not been reported in the literature in individuals affected with MYH3-related conditions. Advanced modeling of protein sequence and biophysical properties (such as structural, functional, and spatial information, amino acid conservation, physicochemical variation, residue mobility, and thermodynamic stability) performed at Invitae indicates that this missense variant is not expected to disrupt MYH3 protein function with a negative predictive value of 95%. In summary, the available evidence is currently insufficient to determine the role of this variant in disease. Therefore, it has been classified as a Variant of Uncertain Significance.

NM_002470.4(MYH3):c.5441A>G (p.Gln1814Arg)

Gene: MYH3 (myosin heavy chain 3; minus strand). Cytogenetic location: 17p13.1.
Variant type: single nucleotide variant.
Coding change: c.5441A>G on transcript NM_002470.4 (MANE Select); coding-DNA position 5441, A replaced by G.
Protein change: p.Gln1814Arg; replaces glutamine 1814 with arginine.
Molecular consequence: missense variant.
Genome position (GRCh38, 1-based): chr17:10,630,304, T>C on the plus strand (A>G on the coding strand, the complement: MYH3 is on the minus strand). VCF-style: chr17-10630304-T-C. GRCh37 (hg19) VCF-style: chr17-10533621-T-C.
Other names: short protein forms Q1814R.
Identifiers: ClinVar variation 2703597 (VCV002703597.3), dbSNP rs2508562228, ClinGen allele CA398131001.